The following is an entry in ClinVar:

NM_006218.4(PIK3CA):c.2685C>G (p.Asp895Glu)

Gene: PIK3CA (phosphatidylinositol-4,5-bisphosphate 3-kinase catalytic subunit alpha; plus strand). Cytogenetic location: 3q26.32.
Variant type: single nucleotide variant.
Coding change: c.2685C>G on transcript NM_006218.4 (MANE Select); coding-DNA position 2685, C replaced by G.
Protein change: p.Asp895Glu; replaces aspartic acid 895 with glutamic acid.
Molecular consequence: missense variant.
Genome position (GRCh38, 1-based): chr3:179,230,022, C>G. VCF-style: chr3-179230022-C-G. GRCh37 (hg19) VCF-style: chr3-178947810-C-G.
Other names: short protein forms D895E.
Identifiers: ClinVar variation 1794714 (VCV001794714.2), dbSNP rs1356990190, ClinGen allele CA355279327.

ClinVar aggregate classification (germline): Uncertain significance (1 of 4 stars; one submission).

Conditions:
Inborn genetic diseases. Identifiers: MedGen C0950123, MeSH D030342.

Allele frequency attached by ClinVar (database versions not stated): gnomAD exomes below 0.00001; TOPMed below 0.00001.
gnomAD v4.1: 2 of 1,611,976 alleles (0.00012%); highest among the groups gnomAD compares: Admixed American, 0.0017%; no homozygotes.

Submission:

Ambry Genetics
Classification: Uncertain significance for Inborn genetic diseases. Last evaluated: 2021-08-28. Review status: criteria provided, single submitter. Criteria: Ambry Variant Classification Scheme 2023. Collection method: clinical testing. Allele origin: germline.
Comment: The p.D895E variant (also known as c.2685C>G), located in coding exon 18 of the PIK3CA gene, results from a C to G substitution at nucleotide position 2685. The aspartic acid at codon 895 is replaced by glutamic acid, an amino acid with highly similar properties. This amino acid position is conserved. In addition, this alteration is predicted to be tolerated by in silico analysis. Since supporting evidence is limited at this time, the clinical significance of this alteration remains unclear.